The following is an entry in ClinVar:

ClinVar aggregate classification (germline): Uncertain significance (1 of 4 stars; one submission).

Conditions:
Inborn genetic diseases. Identifiers: MedGen C0950123, MeSH D030342.

Submission:

Ambry Genetics
Classification: Uncertain significance for Inborn genetic diseases. Last evaluated: 2026-07-02. Review status: criteria provided, single submitter. Criteria: Ambry Variant Classification Scheme 2023. Collection method: clinical testing. Allele origin: germline.
Comment: The p.A116T variant (also known as c.346G>A), located in coding exon 1 of the KDM1A gene, results from a G to A substitution at nucleotide position 346. The alanine at codon 116 is replaced by threonine, an amino acid with similar properties. This amino acid position is conserved. In addition, this alteration is predicted to be tolerated by in silico analysis. Based on the available evidence, the clinical significance of this variant remains unclear.

NM_001009999.3(KDM1A):c.346G>A (p.Ala116Thr)

Gene: KDM1A (lysine demethylase 1A; plus strand). Cytogenetic location: 1p36.12.
Variant type: single nucleotide variant.
Coding change: c.346G>A on transcript NM_001009999.3 (MANE Select); coding-DNA position 346, G replaced by A.
Protein change: p.Ala116Thr; replaces alanine 116 with threonine.
Molecular consequence: missense variant.
Genome position (GRCh38, 1-based): chr1:23,019,942, G>A. VCF-style: chr1-23019942-G-A. GRCh37 (hg19) VCF-style: chr1-23346435-G-A.
Other names: c.346G>A, p.Ala116Thr (NM_001363654.2, NM_001410762.1, NM_001410763.1 and 1 more transcripts); short protein forms A116T.
Identifiers: ClinVar variation 5023054 (VCV005023054.1).
Genomic context (GRCh38, chr1:23,019,942, plus strand): 5'-CCCATGGAAACTGGAATAGCAGAGACTCCGGAGGGGCGTCGGACCAGCCGGCGCAAGCGG[G>A]CGAAGGTAAGGCTCGACCCTTCCCTCAAACGACACCGCCTGGTGCCGAGCTTCCCCGAGG-3'
Protein context (NP_001009999.1, residues 106-126): EGRRTSRRKR[Ala116Thr]KVEYREMDES